The following is an entry in ClinVar:

NM_001085487.3(MYSM1):c.102del (p.Asp35fs)

Gene: MYSM1 (Myb like, SWIRM and MPN domains 1; minus strand). Cytogenetic location: 1p32.1.
Variant type: Deletion.
Coding change: c.102del on transcript NM_001085487.3 (MANE Select); coding-DNA position 102, one base deleted (A; older notation c.102delA).
Protein change: p.Asp35fs; shifts the reading frame from aspartic acid 35.
Molecular consequence: frameshift variant.
Genome position (GRCh38, 1-based): chr1:58,695,174, T deleted on the plus strand (A on the coding strand, the reverse complement: MYSM1 is on the minus strand); the first of 5 consecutive T bases (chr1:58,695,174-58,695,178); deleting any one gives the same sequence. VCF-style (leftmost placement, unchanged base first): chr1-58695173-CT-C. GRCh37 (hg19) VCF-style: chr1-59160845-CT-C.
Other names: short protein forms D35fs.
Identifiers: ClinVar variation 4857641 (VCV004857641.1).

ClinVar aggregate classification (germline): Likely pathogenic (1 of 4 stars; one submission).

Conditions:
Bone marrow failure syndrome 4. Identifiers: MedGen C4748257, MONDO:0020856, OMIM 618116.

Submission:

Medical Genetics, Karadeniz Technical University
Classification: Likely pathogenic for Bone marrow failure syndrome 4. Last evaluated: 2026-07-03. Review status: criteria provided, single submitter. Criteria: ACMG Guidelines, 2015. Collection method: clinical testing. Allele origin: biparental. Inheritance: Autosomal recessive inheritance. Affected: yes. Observed: 1 variant allele, 1 homozygote.
Comment: This variant is located in the 2nd exon of the MYSM1 gene which consists of total 20 protein coding exons (per canonical transcript, NM_001085487.3). The variation is not found in GnomAd population database neither in heterozygous nor homozygous status. Loss-of-function (LoF) variants in the MYSM1 gene are an established cause of autosomal recessive bone marrow failure syndrome. (PMID: 33858043, 32640305) Based on the ACMG/AMP variant classification guidelines, criteria PVS1 and PM2 were applied, and the variant is classified as Likely Pathogenic.

Literature cited by the submitters: PubMed 33858043; PubMed 32640305.